The following is an entry in ClinVar:

ClinVar aggregate classification (germline): Pathogenic (1 of 4 stars; one submission).

Conditions:
Hermansky-Pudlak syndrome 3 (HPS3). Identifiers: Orphanet 231512, Orphanet 79430, MedGen C3888001, MONDO:0013555, OMIM 614072.

Submission:

Myriad Genetics, Inc.
Classification: Pathogenic for Hermansky-Pudlak syndrome 3. Last evaluated: 2024-05-14. Review status: criteria provided, single submitter. Criteria: Myriad Autosomal Dominant, Autosomal Recessive and X-Linked Classification Criteria (2023). Collection method: clinical testing. Allele origin: unknown.
Comment: NM_032383.3(HPS3):c.2519_2528del10(W840Sfs*2) is expected to be pathogenic in the context of Hermansky-Pudlak syndrome, HPS3-related. This variant is predicted to lead to an abnormal or absent protein product due to the creation of a premature termination codon in HPS3, a gene where loss-of-function variants are known to be pathogenic. Please note: this variant was assessed in the context of healthy population screening.

NM_032383.5(HPS3):c.2519_2528del (p.Trp840fs)

Genes: CP (ceruloplasmin; minus strand), HPS3 (HPS3 biogenesis of lysosomal organelles complex 2 subunit 1; plus strand). Cytogenetic location: 3q24.
Variant type: Deletion.
Coding change: c.2519_2528del on transcript NM_032383.5 (MANE Select); coding-DNA positions 2519 to 2528, 10 bases deleted (GGGTTCACGT; older notation c.2519_2528delGGGTTCACGT).
Protein change: p.Trp840fs; shifts the reading frame from tryptophan 840.
Molecular consequence: frameshift variant.
Genome position (GRCh38, 1-based): chr3:149,163,879-149,163,888, GGGTTCACGT deleted; deleting any 10 consecutive bases within chr3:149,163,878-149,163,888 gives the same sequence; the c. name uses the placement nearest the transcript's 3' end. VCF-style (leftmost placement, unchanged base first): chr3-149163877-ATGGGTTCACG-A. GRCh37 (hg19) VCF-style: chr3-148881664-ATGGGTTCACG-A.
Other names: c.2024_2033del, p.Trp675fs (NM_001308258.2); short protein forms W675fs, W840fs.
Identifiers: ClinVar variation 5010465 (VCV005010465.1).